The following is an entry in ClinVar:

NM_021615.5(CHST6):c.196G>C (p.Val66Leu)

Gene: CHST6 (carbohydrate sulfotransferase 6; minus strand). Cytogenetic location: 16q23.1.
Variant type: single nucleotide variant.
Coding change: c.196G>C on transcript NM_021615.5 (MANE Select); coding-DNA position 196, G replaced by C.
Protein change: p.Val66Leu; replaces valine 66 with leucine.
Molecular consequence: missense variant.
Genome position (GRCh38, 1-based): chr16:75,479,633, C>G on the plus strand (G>C on the coding strand, the complement: CHST6 is on the minus strand). VCF-style: chr16-75479633-C-G. GRCh37 (hg19) VCF-style: chr16-75513531-C-G.
Other names: short protein forms V66L.
Identifiers: ClinVar variation 631759 (VCV000631759.10), dbSNP rs72547547, ClinGen allele CA283854982.

ClinVar aggregate classification (germline): Uncertain significance. Review status: criteria provided, multiple submitters, no conflicts (2 of 4 stars). 2 submissions from 2 submitters: Uncertain significance (2). Last evaluated 2024-06-20.

Conditions:
Macular corneal dystrophy (MCD). Also called: GROENOUW TYPE II CORNEAL DYSTROPHY; Macular corneal dystrophy Type I. Identifiers: Orphanet 98969, MedGen C1636149, MONDO:0009020, OMIM 217800.

Allele frequency attached by ClinVar (database versions not stated): TOPMed below 0.00001.

Submissions (2):

Women's Health and Genetics/Laboratory Corporation of America, LabCorp
Classification: Uncertain significance. Last evaluated: 2024-06-20. Review status: criteria provided, single submitter. Criteria: LabCorp Variant Classification Summary - May 2015. Collection method: clinical testing. Allele origin: germline.
Comment: Variant summary: CHST6 c.196G>C (p.Val66Leu) results in a conservative amino acid change located in the Sulfotransferase domain (IPR000863) of the encoded protein sequence. Four of five in-silico tools predict a damaging effect of the variant on protein function. The variant was absent in 248634 control chromosomes. c.196G>C has been reported in the literature in a homozygous individual affected with Macular Corneal Dystrophy (Ha_2003, Weiss_2008). These data indicate that the variant may be associated with disease. To our knowledge, no experimental evidence demonstrating an impact on protein function has been reported. The following publications have been ascertained in the context of this evaluation (PMID: 12882775, 32472422, 19337156). ClinVar contains an entry for this variant (Variation ID: 631759). Based on the evidence outlined above, the variant was classified as VUS-possibly pathogenic.

Labcorp Genetics (formerly Invitae), Labcorp
Classification: Uncertain significance for Macular corneal dystrophy. Last evaluated: 2021-11-16. Review status: criteria provided, single submitter. Criteria: Invitae Variant Classification Sherloc (09022015). Collection method: clinical testing. Allele origin: germline.
Comment: This sequence change replaces valine, which is neutral and non-polar, with leucine, which is neutral and non-polar, at codon 66 of the CHST6 protein (p.Val66Leu). This variant is not present in population databases (gnomAD no frequency). This missense change has been observed in individuals with macular corneal dystrophy (PMID: 12882775; Invitae). ClinVar contains an entry for this variant (Variation ID: 631759). Algorithms developed to predict the effect of missense changes on protein structure and function are either unavailable or do not agree on the potential impact of this missense change (SIFT: "Tolerated"; PolyPhen-2: "Probably Damaging"; Align-GVGD: "Class C0"). In summary, the available evidence is currently insufficient to determine the role of this variant in disease. Therefore, it has been classified as a Variant of Uncertain Significance.

Literature cited by the submitters: PubMed 32472422 (cited by Women's Health and Genetics/Laboratory Corporation of America, LabCorp); PubMed 19337156 (cited by Women's Health and Genetics/Laboratory Corporation of America, LabCorp); PubMed 12882775 (cited by Women's Health and Genetics/Laboratory Corporation of America, LabCorp and Labcorp Genetics (formerly Invitae), Labcorp).